The following is an entry in ClinVar:

NM_014363.6(SACS):c.12271T>C (p.Ser4091Pro)

Gene: SACS (sacsin molecular chaperone; minus strand). Cytogenetic location: 13q12.12.
Variant type: single nucleotide variant.
Coding change: c.12271T>C on transcript NM_014363.6 (MANE Select); coding-DNA position 12271, T replaced by C.
Protein change: p.Ser4091Pro; replaces serine 4091 with proline.
Molecular consequence: missense variant.
Genome position (GRCh38, 1-based): chr13:23,331,605, A>G on the plus strand (T>C on the coding strand, the complement: SACS is on the minus strand). VCF-style: chr13-23331605-A-G. GRCh37 (hg19) VCF-style: chr13-23905744-A-G.
Other names: p.Ser4091Pro; c.11830T>C, p.Ser3944Pro (NM_001278055.2); short protein forms S3944P, S4091P.
Identifiers: ClinVar variation 2683223 (VCV002683223.1), dbSNP rs2542157615, ClinGen allele CA387508119.

ClinVar aggregate classification (germline): Uncertain significance (1 of 4 stars; one submission).

Submission:

Mayo Clinic Laboratories, Mayo Clinic
Classification: Uncertain significance. Last evaluated: 2023-05-04. Review status: criteria provided, single submitter. Criteria: ACMG Guidelines, 2015. Collection method: clinical testing. Allele origin: germline. Observed: 1 variant allele.
Comment: PM2